The following is an entry in ClinVar:

ClinVar aggregate classification (germline): Uncertain significance (1 of 4 stars; one submission).

Submission:

GeneDx
Classification: Uncertain significance. Last evaluated: 2025-04-25. Review status: criteria provided, single submitter. Criteria: GeneDx Variant Classification Process June 2021. Collection method: clinical testing. Allele origin: germline. Affected: yes.
Comment: Not observed at significant frequency in large population cohorts (gnomAD); Intronic +5 splice site variant in a gene for which loss of function is a known mechanism of disease, and both splice predictors and evolutionary conservation support a deleterious effect, although in the absence of functional evidence the actual effect of this sequence change is unknown.; Has not been previously published as pathogenic or benign to our knowledge

NM_001379403.1(WDR26):c.1719+5G>A

Gene: WDR26 (WD repeat domain 26; minus strand). Cytogenetic location: 1q42.12.
Variant type: single nucleotide variant.
Coding change: c.1719+5G>A on transcript NM_001379403.1 (MANE Select); 5 bases into the intron after coding-DNA position 1719, G replaced by A.
Molecular consequence: intron variant.
Genome position (GRCh38, 1-based): chr1:224,400,945, C>T on the plus strand (G>A on the coding strand, the complement: WDR26 is on the minus strand). VCF-style: chr1-224400945-C-T. GRCh37 (hg19) VCF-style: chr1-224588647-C-T.
Other names: c.1371+5G>A (NM_001115113.3); c.1419+5G>A (NM_025160.7).
Identifiers: ClinVar variation 4527765 (VCV004527765.1).
Genomic context (GRCh38, chr1:224,400,945, plus strand): 5'-GTTTAAACAAAAGTACATTTGCTTTTAAACCAACAGATACTGGGAAGGGGGCACTGAATA[C>T]TTACACACTGATAGAACTGCCCACGCTGACCTCCAGTCACAAAGCGCTTCCCATCTGGAT-3'